The following is an entry in ClinVar:

ClinVar aggregate classification (germline): Likely benign (1 of 4 stars; one submission).

Submission:

CeGaT Center for Human Genetics Tuebingen
Classification: Likely benign. Last evaluated: 2023-08-01. Review status: criteria provided, single submitter. Criteria: CeGaT Center For Human Genetics Tuebingen Variant Classification Criteria Version 2. Collection method: clinical testing. Allele origin: germline. Affected: yes. Observed: 2 variant alleles.
Comment: SETD1A: BP4, BP7

NM_014712.3(SETD1A):c.3423G>C (p.Pro1141=)

Gene: SETD1A (SET domain containing 1A, histone lysine methyltransferase; plus strand). Cytogenetic location: 16p11.2.
Variant type: single nucleotide variant.
Coding change: c.3423G>C on transcript NM_014712.3 (MANE Select); coding-DNA position 3423, G replaced by C.
Protein change: p.Pro1141=; no amino-acid change (proline 1141 retained).
Molecular consequence: synonymous variant.
Genome position (GRCh38, 1-based): chr16:30,979,209, G>C. VCF-style: chr16-30979209-G-C. GRCh37 (hg19) VCF-style: chr16-30990530-G-C.
Identifiers: ClinVar variation 2646449 (VCV002646449.24), dbSNP rs201803472, ClinGen allele CA494686987.